The following is an entry in ClinVar:

NM_016235.3(GPRC5B):c.4T>G (p.Phe2Val)

Gene: GPRC5B (G protein-coupled receptor class C group 5 member B; minus strand). Cytogenetic location: 16p12.3.
Variant type: single nucleotide variant.
Coding change: c.4T>G on transcript NM_016235.3 (MANE Select); coding-DNA position 4, T replaced by G.
Protein change: p.Phe2Val; replaces phenylalanine 2 with valine.
Molecular consequence: missense variant.
Genome position (GRCh38, 1-based): chr16:19,872,842, A>C on the plus strand (T>G on the coding strand, the complement: GPRC5B is on the minus strand). VCF-style: chr16-19872842-A-C. GRCh37 (hg19) VCF-style: chr16-19884164-A-C.
Other names: c.397T>G, p.Phe133Val (NM_001304771.1); short protein forms F133V, F2V.
Identifiers: ClinVar variation 4885939 (VCV004885939.2).
Genomic context (GRCh38, chr16:19,872,842, plus strand): 5'-CGAAGAGCAGGAGGAAGGTGAGCACCTGGTGAGCTCTCATCTTTCTCTCTGATGCCACGA[A>C]CATTCTAGAAAAGCCAAGAGGGGAATGGTTGGGGGGAAGGAAAGATGAATTCATTGGAAG-3'
Protein context (NP_057319.1, residues 1-12): M[Phe2Val]VASERKMRAH

ClinVar aggregate classification (germline): Uncertain significance (1 of 4 stars; one submission).

Submission:

Dasa
Classification: Uncertain significance. Last evaluated: 2025-11-11. Review status: criteria provided, single submitter. Criteria: DASA Assertion Criteria. Collection method: clinical testing. Allele origin: germline.
Comment: NM_016235.3(GPRC5B):c.4T>G (p.Phe2Val) is a missense variant that results in the substitution of phenylalanine with valine. This variant is absent from population databases. Computational prediction algorithms are consistent with a benign effect. The currently available literature and clinical evidence are not sufficient to establish a definitive association between this variant and the reported condition. Therefore, this variant is classified as a variant of uncertain significance.